The following is an entry in ClinVar:

NM_032119.4(ADGRV1):c.12120+1G>A

Gene: ADGRV1 (adhesion G protein-coupled receptor V1; plus strand). Cytogenetic location: 5q14.3.
Variant type: single nucleotide variant.
Coding change: c.12120+1G>A on transcript NM_032119.4 (MANE Select); the canonical splice donor site of the intron after coding-DNA position 12120, G replaced by A.
Molecular consequence: splice donor variant.
Genome position (GRCh38, 1-based): chr5:90,759,589, G>A. VCF-style: chr5-90759589-G-A. GRCh37 (hg19) VCF-style: chr5-90055406-G-A.
Identifiers: ClinVar variation 1068321 (VCV001068321.7), dbSNP rs766190197, ClinGen allele CA3341120.

ClinVar aggregate classification (germline): Likely pathogenic (1 of 4 stars; one submission).

Allele frequency attached by ClinVar (database versions not stated): gnomAD exomes below 0.00001; TOPMed below 0.00001; ExAC 0.00001; gnomAD 0.00001.
gnomAD v4.1: 6 of 1,610,726 alleles (0.00037%); highest among the groups gnomAD compares: Non-Finnish European, 0.00051%; no homozygotes.

Submission:

Labcorp Genetics (formerly Invitae), Labcorp
Classification: Likely pathogenic. Last evaluated: 2025-10-02. Review status: criteria provided, single submitter. Criteria: Invitae Variant Classification Sherloc (09022015). Collection method: clinical testing. Allele origin: germline.
Comment: This sequence change affects a donor splice site in intron 58 of the ADGRV1 gene. It is expected to disrupt RNA splicing. Variants that disrupt the donor or acceptor splice site typically lead to a loss of protein function (PMID: 16199547), and loss-of-function variants in ADGRV1 are known to be pathogenic (PMID: 19357117, 22135276, 22147658, 26226137, 30718709, 31047384, 32467589). This variant is present in population databases (rs766190197, gnomAD 0.0009%). This variant has not been reported in the literature in individuals affected with ADGRV1-related conditions. ClinVar contains an entry for this variant (Variation ID: 1068321). Algorithms developed to predict the effect of sequence changes on RNA splicing suggest that this variant may disrupt the consensus splice site. In summary, the currently available evidence indicates that the variant is pathogenic, but additional data are needed to prove that conclusively. Therefore, this variant has been classified as Likely Pathogenic.

Literature cited by the submitters: PubMed 16199547; PubMed 19357117; PubMed 22135276; PubMed 22147658; PubMed 26226137; PubMed 30718709; PubMed 31047384; PubMed 32467589.